The following is an entry in ClinVar:

ClinVar aggregate classification (germline): Uncertain significance (1 of 4 stars; one submission).

Allele frequency attached by ClinVar (database versions not stated): gnomAD exomes below 0.00001; ExAC 0.00001; gnomAD 0.00001; TOPMed 0.00001.

Submission:

Labcorp Genetics (formerly Invitae), Labcorp
Classification: Uncertain significance. Last evaluated: 2021-04-28. Review status: criteria provided, single submitter. Criteria: Invitae Variant Classification Sherloc (09022015). Collection method: clinical testing. Allele origin: germline.
Comment: In summary, the available evidence is currently insufficient to determine the role of this variant in disease. Therefore, it has been classified as a Variant of Uncertain Significance. Algorithms developed to predict the effect of missense changes on protein structure and function are either unavailable or do not agree on the potential impact of this missense change (SIFT: "Tolerated"; PolyPhen-2: "Possibly Damaging"; Align-GVGD: "Class C15"). This variant has not been reported in the literature in individuals with CD46-related conditions. This variant is present in population databases (rs746350474, ExAC 0.01%). This sequence change replaces arginine with cysteine at codon 218 of the CD46 protein (p.Arg218Cys). The arginine residue is weakly conserved and there is a large physicochemical difference between arginine and cysteine.

NM_172351.3(CD46):c.652C>T (p.Arg218Cys)

Gene: CD46 (CD46 molecule; plus strand). Cytogenetic location: 1q32.2.
Variant type: single nucleotide variant.
Coding change: c.652C>T on transcript NM_172351.3 (MANE Select); coding-DNA position 652, C replaced by T.
Protein change: p.Arg218Cys; replaces arginine 218 with cysteine.
Molecular consequence: missense variant.
Genome position (GRCh38, 1-based): chr1:207,761,425, C>T. VCF-style: chr1-207761425-C-T. GRCh37 (hg19) VCF-style: chr1-207934770-C-T.
Other names: c.652C>T, p.Arg218Cys (NM_002389.4, NM_153826.4, NM_172350.3 and 8 more transcripts); short protein forms R218C.
Identifiers: ClinVar variation 1349640 (VCV001349640.8), dbSNP rs746350474, ClinGen allele CA1371694.